The following is an entry in ClinVar:

ClinVar aggregate classification (germline): Uncertain significance (1 of 4 stars; one submission).

Conditions:
Spastic paraplegia. Identifiers: MedGen C0037772, HP:0001258.

gnomAD v4.1: 2 of 1,613,776 alleles (0.00012%); highest among the groups gnomAD compares: Non-Finnish European, 0.00017%; no homozygotes.

Submission:

Labcorp Genetics (formerly Invitae), Labcorp
Classification: Uncertain significance for Spastic paraplegia. Last evaluated: 2024-04-01. Review status: criteria provided, single submitter. Criteria: Invitae Variant Classification Sherloc (09022015). Collection method: clinical testing. Allele origin: germline.
Comment: This sequence change replaces leucine, which is neutral and non-polar, with glutamine, which is neutral and polar, at codon 180 of the CYP7B1 protein (p.Leu180Gln). This variant is present in population databases (rs758478558, gnomAD 0.0009%). This missense change has been observed in individual(s) with clinical features of spastic paraplegia (Invitae). In at least one individual the data is consistent with being in trans (on the opposite chromosome) from a pathogenic variant. Advanced modeling of protein sequence and biophysical properties (such as structural, functional, and spatial information, amino acid conservation, physicochemical variation, residue mobility, and thermodynamic stability) performed at Invitae indicates that this missense variant is expected to disrupt CYP7B1 protein function with a positive predictive value of 80%. In summary, the available evidence is currently insufficient to determine the role of this variant in disease. Therefore, it has been classified as a Variant of Uncertain Significance.

NM_004820.5(CYP7B1):c.539T>A (p.Leu180Gln)

Gene: CYP7B1 (cytochrome P450 family 7 subfamily B member 1; minus strand). Cytogenetic location: 8q12.3.
Variant type: single nucleotide variant.
Coding change: c.539T>A on transcript NM_004820.5 (MANE Select); coding-DNA position 539, T replaced by A.
Protein change: p.Leu180Gln; replaces leucine 180 with glutamine.
Molecular consequence: missense variant.
Genome position (GRCh38, 1-based): chr8:64,616,002, A>T on the plus strand (T>A on the coding strand, the complement: CYP7B1 is on the minus strand). VCF-style: chr8-64616002-A-T. GRCh37 (hg19) VCF-style: chr8-65528559-A-T.
Other names: c.539T>A, p.Leu180Gln (NM_001324112.2); short protein forms L180Q.
Identifiers: ClinVar variation 3690808 (VCV003690808.2).